The following is an entry in ClinVar:

ClinVar aggregate classification (germline): Uncertain significance. Review status: criteria provided, multiple submitters, no conflicts (2 of 4 stars). 2 submissions from 2 submitters: Uncertain significance (2). Last evaluated 2025-09-02.

Allele frequency attached by ClinVar (database versions not stated): TOPMed below 0.00001; gnomAD 0.00001.
gnomAD v4.1: 10 of 1,613,990 alleles (0.00062%); highest among the groups gnomAD compares: East Asian, 0.0022%; no homozygotes.

Submissions (2):

Labcorp Genetics (formerly Invitae), Labcorp
Classification: Uncertain significance. Last evaluated: 2025-09-02. Review status: criteria provided, single submitter. Criteria: Invitae Variant Classification Sherloc (09022015). Collection method: clinical testing. Allele origin: germline.
Comment: This sequence change replaces alanine, which is neutral and non-polar, with threonine, which is neutral and polar, at codon 1764 of the ARID1B protein (p.Ala1764Thr). This variant is not present in population databases (gnomAD no frequency). This variant has not been reported in the literature in individuals affected with ARID1B-related conditions. ClinVar contains an entry for this variant (Variation ID: 1498582). Invitae Evidence Modeling of protein sequence and biophysical properties (such as structural, functional, and spatial information, amino acid conservation, physicochemical variation, residue mobility, and thermodynamic stability) indicates that this missense variant is not expected to disrupt ARID1B protein function with a negative predictive value of 95%. In summary, the available evidence is currently insufficient to determine the role of this variant in disease. Therefore, it has been classified as a Variant of Uncertain Significance.

Blueprint Genetics
Classification: Uncertain significance. Last evaluated: 2023-04-17. Review status: criteria provided, single submitter. Criteria: ACMG Guidelines, 2015. Collection method: clinical testing. Allele origin: germline.

NM_001374828.1(ARID1B):c.5659G>A (p.Ala1887Thr)

Gene: ARID1B (AT-rich interaction domain 1B; plus strand). Cytogenetic location: 6q25.3.
Variant type: single nucleotide variant.
Coding change: c.5659G>A on transcript NM_001374828.1 (MANE Select); coding-DNA position 5659, G replaced by A.
Protein change: p.Ala1887Thr; replaces alanine 1887 with threonine.
Molecular consequence: missense variant.
Genome position (GRCh38, 1-based): chr6:157,206,431, G>A. VCF-style: chr6-157206431-G-A. GRCh37 (hg19) VCF-style: chr6-157527565-G-A.
Other names: c.3160G>A, p.Ala1054Thr (NM_001363725.2); c.5539G>A, p.Ala1847Thr (NM_001371656.1, NM_001374820.1); c.5500G>A, p.Ala1834Thr (NM_017519.3); short protein forms A1834T, A1887T, A1847T, A1054T.
Identifiers: ClinVar variation 1498582 (VCV001498582.9), dbSNP rs1280712992, ClinGen allele CA366246404.